The following is an entry in ClinVar:

NM_000036.3(AMPD1):c.190_191del (p.Leu64fs)

Gene: AMPD1 (adenosine monophosphate deaminase 1; minus strand). Cytogenetic location: 1p13.2.
Variant type: Microsatellite.
Coding change: c.190_191del on transcript NM_000036.3 (MANE Select); coding-DNA positions 190 to 191, 2 bases deleted (CT; older notation c.190_191delCT).
Protein change: p.Leu64fs; shifts the reading frame from leucine 64.
Molecular consequence: frameshift variant.
Genome position (GRCh38, 1-based): chr1:114,688,585-114,688,586, AG deleted on the plus strand (CT on the coding strand, the reverse complement: AMPD1 is on the minus strand); deleting any 2 consecutive bases within chr1:114,688,585-114,688,588 gives the same sequence; the c. name uses the placement nearest the transcript's 3' end. VCF-style (leftmost placement, unchanged base first): chr1-114688584-CAG-C. GRCh37 (hg19) VCF-style: chr1-115231205-CAG-C.
Other names: c.178_179del, p.Leu60fs (NM_001172626.2); short protein forms L64fs, L60fs.
Identifiers: ClinVar variation 1964062 (VCV001964062.5), dbSNP rs2526386884, ClinGen allele CA2580611192.
Genomic context (GRCh38, chr1:114,688,584, plus strand): 5'-GTGCCAATATACTAAGCACTCCCCTTACACCACTTACCTCCTGGCTTCTGTGGAGGTGGA[CAG>C]AGTCTCCAGATGGAATATGTGTGCTTGCATCTCATGATGAGAAATCGGACAGATCTCATC-3'

ClinVar aggregate classification (germline): Uncertain significance (1 of 4 stars; one submission).

Conditions:
Muscle AMP deaminase deficiency (MMDD). Also called: Myoadenylate deaminase deficiency, myopathy due to; Adenosine monophosphate deaminase 1 deficiency; AMP deaminase 1 deficiency; Adenosine Monophosphate Deaminase 1; ADENOSINE MONOPHOSPHATE DEAMINASE-1 DEFICIENCY, MYOPATHY DUE TO; AMPD1 DEFICIENCY. Identifiers: Orphanet 45, MedGen C3714933, MONDO:0014220, OMIM 615511.

Submission:

Labcorp Genetics (formerly Invitae), Labcorp
Classification: Uncertain significance for Muscle AMP deaminase deficiency. Last evaluated: 2022-07-12. Review status: criteria provided, single submitter. Criteria: Invitae Variant Classification Sherloc (09022015). Collection method: clinical testing. Allele origin: germline.
Comment: This sequence change creates a premature translational stop signal (p.Leu97Valfs*19) in the AMPD1 gene. It is expected to result in an absent or disrupted protein product. However, the current clinical and genetic evidence is not sufficient to establish whether loss-of-function variants in AMPD1 cause disease. This variant is not present in population databases (gnomAD no frequency). This variant has not been reported in the literature in individuals affected with AMPD1-related conditions. In summary, the available evidence is currently insufficient to determine the role of this variant in disease. Therefore, it has been classified as a Variant of Uncertain Significance.